The following is an entry in ClinVar:

NM_005909.5(MAP1B):c.5566C>T (p.Leu1856=)

Gene: MAP1B (microtubule associated protein 1B; plus strand). Cytogenetic location: 5q13.2.
Variant type: single nucleotide variant.
Coding change: c.5566C>T on transcript NM_005909.5 (MANE Select); coding-DNA position 5566, C replaced by T.
Protein change: p.Leu1856=; no amino-acid change (leucine 1856 retained).
Molecular consequence: synonymous variant.
Genome position (GRCh38, 1-based): chr5:72,198,921, C>T. VCF-style: chr5-72198921-C-T. GRCh37 (hg19) VCF-style: chr5-71494748-C-T.
Other names: c.5188C>T, p.Leu1730= (NM_001324255.2).
Identifiers: ClinVar variation 3054612 (VCV003054612.2), dbSNP rs184989848, ClinGen allele CA3299344.

ClinVar aggregate classification (germline): Likely benign (0 of 4 stars; one submission).

Conditions:
MAP1B-related disorder. Also called: MAP1B-related condition.

Allele frequency attached by ClinVar (database versions not stated): gnomAD 0.00015; gnomAD exomes 0.00017; TOPMed 0.00018; ExAC 0.00034; 1000 Genomes Project 30x 0.00062; 1000 Genomes Project 0.00080.
gnomAD v4.1: 262 of 1,614,210 alleles (0.016%); highest among the groups gnomAD compares: East Asian, 0.57%; 2 homozygotes.

Submission:

PreventionGenetics, part of Exact Sciences
Classification: Likely benign for MAP1B-related condition. Last evaluated: 2022-01-19. Review status: no assertion criteria provided. Collection method: clinical testing. Allele origin: germline.
Comment: This variant is classified as likely benign based on ACMG/AMP sequence variant interpretation guidelines (Richards et al. 2015 PMID: 25741868, with internal and published modifications).